The following is an entry in ClinVar:

ClinVar aggregate classification (germline): Uncertain significance. Review status: criteria provided, multiple submitters, no conflicts (2 of 4 stars). 2 submissions from 2 submitters: Uncertain significance (2). Last evaluated 2026-05-01.

Conditions:
Inborn genetic diseases. Identifiers: MedGen C0950123, MeSH D030342.

Allele frequency attached by ClinVar (database versions not stated): ESP Exome Variant Server 0.00008; TOPMed 0.00008; gnomAD 0.00009; gnomAD exomes 0.00009 and 0.00017; ExAC 0.00016.
gnomAD v4.1: 165 of 1,614,056 alleles (0.01%); highest among the groups gnomAD compares: Middle Eastern, 0.033%; no homozygotes.

Submissions (2):

CeGaT Center for Human Genetics Tuebingen
Classification: Uncertain significance. Last evaluated: 2026-05-01. Review status: criteria provided, single submitter. Criteria: CeGaT Center For Human Genetics Tuebingen Variant Classification Criteria Version 2. Collection method: clinical testing. Allele origin: germline. Affected: yes. Observed: 2 variant alleles.
Comment: HERC2: PM2

Ambry Genetics
Classification: Uncertain significance for Inborn genetic diseases. Last evaluated: 2019-07-18. Review status: criteria provided, single submitter. Criteria: Ambry exome assertion method (8-5-2015). Collection method: clinical testing. Allele origin: germline. Affected: yes. Observed: 1 variant allele.

NM_004667.6(HERC2):c.9110G>A (p.Arg3037Gln)

Gene: HERC2 (HECT and RLD domain containing E3 ubiquitin protein ligase 2; minus strand). Cytogenetic location: 15q13.1.
Variant type: single nucleotide variant.
Coding change: c.9110G>A on transcript NM_004667.6 (MANE Select); coding-DNA position 9110, G replaced by A.
Protein change: p.Arg3037Gln; replaces arginine 3037 with glutamine.
Molecular consequence: missense variant.
Genome position (GRCh38, 1-based): chr15:28,178,940, C>T on the plus strand (G>A on the coding strand, the complement: HERC2 is on the minus strand). VCF-style: chr15-28178940-C-T. GRCh37 (hg19) VCF-style: chr15-28424086-C-T.
Other names: short protein forms R3037Q.
Identifiers: ClinVar variation 986216 (VCV000986216.16), dbSNP rs369787802, ClinGen allele CA7441264.
Genomic context (GRCh38, chr15:28,178,940, plus strand): 5'-CTTGTACCTGAGTGAACAGCCACCTTCTTGACCACGTAGCTGCTGAGAGCTGTGATCTGC[C>T]GTGGGATGGGCACCGTCCCGCTGGAAATGCCCAGCCCCAGCCGGCCATTCGTGGCTTCTC-3'
Protein context (NP_004658.3, residues 3027-3047): GISSGTVPIP[Arg3037Gln]QITALSSYVV